The following is an entry in ClinVar:

GRCh38/hg38 Xq21.1(chrX:77896695-77914768)x3

Genes: ATP7A (ATPase copper transporting alpha; plus strand), COX7B (cytochrome c oxidase subunit 7B; plus strand), LOC130068461 (ATAC-STARR-seq lymphoblastoid active region 29782; plus strand). Cytogenetic location: Xq21.1.
Variant type: copy number gain.
Change: copy number 3 of chrX:77,896,695-77,914,768 (18.1 kb, GRCh38 coordinates, 1-based), cytogenetic band Xq21.1.
Identifiers: ClinVar variation 152250 (VCV000152250.2).

ClinVar aggregate classification (germline): conflicting data from submitters (0 of 4 stars; one submission).

Submission:

ISCA site 1
Classification: conflicting data from submitters. Last evaluated: 2013-01-09. Review status: no assertion criteria provided. Collection method: clinical testing. Allele origin: maternal. Affected: yes. Observed: 2 variant alleles.
Comment: Uncertain significance(1), Likely benign (1)

Copy number variation identified through the course of routine clinical cytogenomic testing in postnatal populations, with clinical assertions as classified by the original submitter. For data from the original published study, Kaminsky, et al. 2011 (PubMed 21844811), please see nstd101.